The following is an entry in ClinVar:

ClinVar aggregate classification (germline): Likely pathogenic (1 of 4 stars; one submission).

Conditions:
Short stature-brachydactyly-obesity-global developmental delay syndrome. Also called: Short stature, brachydactyly, intellectual developmental disability, and seizures; SHORT STATURE, BRACHYDACTYLY, IMPAIRED INTELLECTUAL DEVELOPMENT, AND SEIZURES. Identifiers: Orphanet 464288, MedGen C4310689, MONDO:0014944, OMIM 617157.

Submission:

Suzhou Clinical Center for Rare Diseases in Children, Children's Hospital of Soochow University
Classification: Likely pathogenic for Short stature-brachydactyly-obesity-global developmental delay syndrome. Last evaluated: 2024-09-01. Review status: criteria provided, single submitter. Criteria: ACMG Guidelines, 2015. Collection method: clinical testing. Allele origin: de novo. Affected: yes.
Comment: The NM_019023.4:c.1283C>G (p.Thr428Arg) variant of PRMT7 is in trans with another nonsense variant in our affected individuals.(PM3) This variant has absent in gnomAD (v4.1.0) (PM2_Supporting). The phenotype of the variant carriers is highly consistent with the disease associated with this variant (PP4).BayesDel_addAF score is 0.20 (PP3). According to the ACMG guidelines, this variant is interpreted as pathogenic (PM3+PM2_Supproting+PP4+PP3).

NM_019023.5(PRMT7):c.1283C>G (p.Thr428Arg)

Gene: PRMT7 (protein arginine methyltransferase 7; plus strand). Cytogenetic location: 16q22.1.
Variant type: single nucleotide variant.
Coding change: c.1283C>G on transcript NM_019023.5 (MANE Select); coding-DNA position 1283, C replaced by G.
Protein change: p.Thr428Arg; replaces threonine 428 with arginine.
Molecular consequence: missense variant. On other transcripts: non-coding transcript variant (12).
Genome position (GRCh38, 1-based): chr16:68,347,638, C>G. VCF-style: chr16-68347638-C-G. GRCh37 (hg19) VCF-style: chr16-68381541-C-G.
Other names: c.1133C>G, p.Thr378Arg (NM_001184824.4); c.1283C>G, p.Thr428Arg (NM_001290018.2, NM_001351143.3, NM_001351144.3 and 1 more transcripts); c.1076C>G, p.Thr359Arg (NM_001378020.1); c.1046C>G, p.Thr349Arg (NM_001378021.1, NM_001378022.1, NM_001378023.1); short protein forms T349R, T359R, T378R, T428R.
Identifiers: ClinVar variation 3362251 (VCV003362251.2).